The following is an entry in ClinVar:

ClinVar aggregate classification (germline): Conflicting classifications of pathogenicity. Review status: criteria provided, conflicting classifications (1 of 4 stars). 4 submissions from 4 submitters: Likely pathogenic (1); Uncertain significance (2). 1 of the submissions does not count toward it. Last evaluated 2025-10-27.

Conditions:
Autosomal recessive polycystic kidney disease (ARPKD). Also called: AR polycystic kidney disease. Identifiers: Orphanet 731, Orphanet 8378, MedGen C0085548, MeSH D017044, MONDO:0009889.
Polycystic kidney disease 4 (PKD4). Also called: PKD3; POLYCYSTIC KIDNEY AND HEPATIC DISEASE 1; POLYCYSTIC KIDNEY DISEASE, INFANTILE, TYPE I; Autosomal Recessive Polycystic Kidney Disease – PKHD1; POLYCYSTIC KIDNEY DISEASE 4 WITH OR WITHOUT POLYCYSTIC LIVER DISEASE. Identifiers: MedGen C4540575, MONDO:0033004, OMIM 263200.

Allele frequency attached by ClinVar (database versions not stated): gnomAD exomes below 0.00001; ExAC 0.00002.
gnomAD v4.1: 7 of 1,614,124 alleles (0.00043%); highest among the groups gnomAD compares: Middle Eastern, 0.049%; no homozygotes.

Submissions (4):

Natera, Inc.
Classification: Likely pathogenic for Autosomal recessive polycystic kidney disease. Last evaluated: 2025-10-27. Review status: criteria provided, single submitter. Criteria: Natera Variant Classification Schema (03/2026). Collection method: clinical testing. Allele origin: germline.
Comment: The c.5353T>C variant in PKHD1 is a missense variant predicted to cause substitution of phenylalanine to leucine at amino acid 1785. This variant is rare in the general population with a frequency below the threshold expected for the associated phenotype(s). This variant has been observed in one or more individuals affected with the associated recessive disease, as either homozygous or compound heterozygous with a second variant (PMID: 33940108, 36657418). Multiple computational prediction algorithms suggest this variant is unlikely to affect gene or protein function. Given the available evidence, this variant is classified as Likely Pathogenic.

Women's Health and Genetics/Laboratory Corporation of America, LabCorp
Classification: Uncertain significance. Last evaluated: 2024-10-14. Review status: criteria provided, single submitter. Criteria: LabCorp Variant Classification Summary - May 2015. Collection method: clinical testing. Allele origin: germline.
Comment: Variant summary: PKHD1 c.5353T>C (p.Phe1785Leu) results in a non-conservative amino acid change in the encoded protein sequence. Four of five in-silico tools predict a benign effect of the variant on protein function. The variant allele was found at a frequency of 2e-05 in 251284 control chromosomes. c.5353T>C has been reported in the literature in the compound heterozygous state in individuals affected with Polycystic Kidney And Hepatic Disease (Bergmann_2005, Dafinger_2020). These data indicate that the variant may be associated with disease. To our knowledge, no experimental evidence demonstrating an impact on protein function has been reported. The following publications have been ascertained in the context of this evaluation (PMID: 15698423, 33112055). ClinVar contains an entry for this variant (Variation ID: 2677769). Based on the evidence outlined above, the variant was classified as VUS-possibly pathogenic.

Genomic Medicine Center of Excellence, King Faisal Specialist Hospital and Research Centre
Classification: Uncertain significance for Polycystic kidney disease 4. Last evaluated: 2024-03-26. Review status: criteria provided, single submitter. Criteria: ACMG Guidelines, 2015. Collection method: clinical testing. Allele origin: germline.

Inheritance Genetic Center
Classification: Likely pathogenic for Polycystic kidney disease 4. Last evaluated: 2024-07-20. Review status: no assertion criteria provided. Collection method: clinical testing. Allele origin: germline. Inheritance: Autosomal recessive inheritance. Affected: yes. Observed: 1 homozygote. Not counted in ClinVar's aggregate classification.

Literature cited by the submitters: PubMed 33940108 (cited by Natera, Inc.); PubMed 36657418 (cited by Natera, Inc.); PubMed 15698423 (cited by Women's Health and Genetics/Laboratory Corporation of America, LabCorp); PubMed 33112055 (cited by Women's Health and Genetics/Laboratory Corporation of America, LabCorp).

NM_138694.4(PKHD1):c.5353T>C (p.Phe1785Leu)

Gene: PKHD1 (PKHD1 ciliary IPT domain containing fibrocystin/polyductin; minus strand). Cytogenetic location: 6p12.2.
Variant type: single nucleotide variant.
Coding change: c.5353T>C on transcript NM_138694.4 (MANE Select); coding-DNA position 5353, T replaced by C.
Protein change: p.Phe1785Leu; replaces phenylalanine 1785 with leucine.
Molecular consequence: missense variant.
Genome position (GRCh38, 1-based): chr6:52,022,828, A>G on the plus strand (T>C on the coding strand, the complement: PKHD1 is on the minus strand). VCF-style: chr6-52022828-A-G. GRCh37 (hg19) VCF-style: chr6-51887626-A-G.
Other names: c.5353T>C, p.Phe1785Leu (NM_170724.3); c.5353T>C (NM_138694.3); short protein forms F1785L.
Identifiers: ClinVar variation 2677769 (VCV002677769.8), dbSNP rs781740739, ClinGen allele CA3852542.